The following is an entry in ClinVar:

ClinVar aggregate classification (germline): Likely benign. Review status: reviewed by expert panel (3 of 4 stars). 2 submissions from 2 submitters: Likely benign (1). 1 of the submissions does not count toward it. Last evaluated 2026-08-18.

Conditions:
Inborn genetic diseases. Identifiers: MedGen C0950123, MeSH D030342.
Alexander disease (ALXDRD). Also called: Alexander's disease. Identifiers: Orphanet 58, MedGen C0270726, MONDO:0008752, OMIM 203450.

gnomAD v4.1: 37 of 1,613,382 alleles (0.0023%); highest among the groups gnomAD compares: Non-Finnish European, 0.0029%; no homozygotes.

Submissions (2):

ClinGen Leukodystrophy and Leukoencephalopathy Variant Curation Expert Panel, ClinGen
Classification: Likely benign for Alexander disease. Last evaluated: 2026-08-18. Review status: reviewed by expert panel. Criteria: ClinGen Leuko ACMG Specifications GFAP V1.0. Collection method: curation. Allele origin: germline. Inheritance: Autosomal dominant inheritance.
Comment: The NM_002055.5(GFAP):c.1274A>G, variant in GFAP is a missense variant predicited to cause a substitution of lysine by arginine at amino acid 425 (p.Lys425Arg). The GrpMax filtering allele frequency in gnomAD v4.1.1 is 0.00002117 from the European (Non-Finnish) genetic ancestry group (the lower threshold of the 95% CI of 34/1179444 alleles), which is higher than the ClinGen Leukodystrophy and Leukoencephalopathy Expert Panel Specifications to the ACMG/AMP Variant Interpretation Guidelines for GFAP Version 1.0.0 threshold ≥ 0.001% for BS1, and therefore meets this criterion (BS1). In summary, this variant meets the criteria to be classified as likely benign based on the ACMG/AMP criteria applied, as specified by the ClinGen Leukodystrophy and Leukoencephalopathy VCEP: BS1 (ClinGen Leukodystrophy and Leukoencephalopathy VCEP Specifications Version 1.0.0).

Ambry Genetics
Classification: Uncertain significance for Inborn genetic diseases. Last evaluated: 2024-08-12. Review status: criteria provided, single submitter. Criteria: Ambry Variant Classification Scheme 2023. Collection method: clinical testing. Allele origin: germline. Not counted in ClinVar's aggregate classification.

NM_002055.5(GFAP):c.1274A>G (p.Lys425Arg)

Gene: GFAP (glial fibrillary acidic protein; minus strand). Cytogenetic location: 17q21.31.
Variant type: single nucleotide variant.
Coding change: c.1274A>G on transcript NM_002055.5 (MANE Select); coding-DNA position 1274, A replaced by G.
Protein change: p.Lys425Arg; replaces lysine 425 with arginine.
Molecular consequence: missense variant.
Genome position (GRCh38, 1-based): chr17:44,907,372, T>C on the plus strand (A>G on the coding strand, the complement: GFAP is on the minus strand). VCF-style: chr17-44907372-T-C. GRCh37 (hg19) VCF-style: chr17-42984740-T-C.
Other names: NM_002055.5(GFAP):c.1274A>G; p.Lys425Arg; c.1394A>G, p.Lys465Arg (NM_001363846.2); short protein forms K465R, K425R.
Identifiers: ClinVar variation 3519803 (VCV003519803.2).